The following is an entry in ClinVar:

NM_005726.6(TSFM):c.76C>T (p.Gln26Ter)

Gene: TSFM (Ts translation elongation factor, mitochondrial; plus strand). Cytogenetic location: 12q14.1.
Variant type: single nucleotide variant.
Coding change: c.76C>T on transcript NM_005726.6 (MANE Select); coding-DNA position 76, C replaced by T.
Protein change: p.Gln26Ter; replaces glutamine 26 with a stop codon.
Molecular consequence: nonsense.
Genome position (GRCh38, 1-based): chr12:57,783,128, C>T. VCF-style: chr12-57783128-C-T. GRCh37 (hg19) VCF-style: chr12-58176911-C-T.
Other names: c.76C>T, p.Gln26Ter (NM_001172695.2, NM_001172696.2, NM_001172697.2); short protein forms Q26*.
Identifiers: ClinVar variation 1074148 (VCV001074148.9), dbSNP rs774870834, ClinGen allele CA6659212.

ClinVar aggregate classification (germline): Pathogenic/Likely pathogenic. Review status: criteria provided, multiple submitters, no conflicts (2 of 4 stars). 2 submissions from 2 submitters: Pathogenic (1); Likely pathogenic (1). Last evaluated 2023-12-13.

Conditions:
Fatal mitochondrial disease due to combined oxidative phosphorylation defect type 3. Also called: Combined oxidative phosphorylation deficiency 3; ENCEPHALOMYOPATHY, RESPIRATORY FAILURE, AND LACTIC ACIDOSIS. Identifiers: Orphanet 168566, MedGen C1864840, MONDO:0012512, OMIM 610505.

Allele frequency attached by ClinVar (database versions not stated): gnomAD exomes below 0.00001; ExAC 0.00001.
gnomAD v4.1: 2 of 1,611,120 alleles (0.00012%); highest among the groups gnomAD compares: Non-Finnish European, 0.00017%; no homozygotes.

Submissions (2):

Baylor Genetics
Classification: Likely pathogenic for Fatal mitochondrial disease due to combined oxidative phosphorylation defect type 3. Last evaluated: 2023-12-13. Review status: criteria provided, single submitter. Criteria: ACMG Guidelines, 2015. Collection method: clinical testing. Allele origin: unknown.

Labcorp Genetics (formerly Invitae), Labcorp
Classification: Pathogenic. Last evaluated: 2021-06-09. Review status: criteria provided, single submitter. Criteria: Invitae Variant Classification Sherloc (09022015). Collection method: clinical testing. Allele origin: germline.
Comment: For these reasons, this variant has been classified as Pathogenic. This variant has not been reported in the literature in individuals with TSFM-related conditions. ClinVar contains an entry for this variant (Variation ID: 1074148). This variant is present in population databases (rs774870834, ExAC 0.002%). This sequence change creates a premature translational stop signal (p.Gln26*) in the TSFM gene. It is expected to result in an absent or disrupted protein product. Loss-of-function variants in TSFM are known to be pathogenic (PMID: 17033963, 20435138, 25037205, 27677415).

Literature cited by the submitters: PubMed 17033963 (cited by Labcorp Genetics (formerly Invitae), Labcorp); PubMed 20435138 (cited by Labcorp Genetics (formerly Invitae), Labcorp); PubMed 25037205 (cited by Labcorp Genetics (formerly Invitae), Labcorp); PubMed 27677415 (cited by Labcorp Genetics (formerly Invitae), Labcorp).